The following is an entry in ClinVar:

ClinVar aggregate classification (germline): Uncertain significance (1 of 4 stars; one submission).

Conditions:
Wilms tumor 1 (WT1). Also called: Wilms tumor, somatic. Identifiers: Orphanet 654, MedGen CN033288, MONDO:0008679, OMIM 194070.

Submission:

Labcorp Genetics (formerly Invitae), Labcorp
Classification: Uncertain significance for Wilms tumor 1. Last evaluated: 2023-09-05. Review status: criteria provided, single submitter. Criteria: Invitae Variant Classification Sherloc (09022015). Collection method: clinical testing. Allele origin: germline.
Comment: This variant is not present in population databases (gnomAD no frequency). This variant has not been reported in the literature in individuals affected with GPC3-related conditions. Advanced modeling of protein sequence and biophysical properties (such as structural, functional, and spatial information, amino acid conservation, physicochemical variation, residue mobility, and thermodynamic stability) performed at Invitae indicates that this missense variant is not expected to disrupt GPC3 protein function. In summary, the available evidence is currently insufficient to determine the role of this variant in disease. Therefore, it has been classified as a Variant of Uncertain Significance. This sequence change replaces leucine, which is neutral and non-polar, with methionine, which is neutral and non-polar, at codon 301 of the GPC3 protein (p.Leu301Met).

NM_004484.4(GPC3):c.901C>A (p.Leu301Met)

Gene: GPC3 (glypican 3; minus strand). Cytogenetic location: Xq26.2.
Variant type: single nucleotide variant.
Coding change: c.901C>A on transcript NM_004484.4 (MANE Select); coding-DNA position 901, C replaced by A.
Protein change: p.Leu301Met; replaces leucine 301 with methionine.
Molecular consequence: missense variant.
Genome position (GRCh38, 1-based): chrX:133,753,613, G>T on the plus strand (C>A on the coding strand, the complement: GPC3 is on the minus strand). VCF-style: chrX-133753613-G-T. GRCh37 (hg19) VCF-style: chrX-132887640-G-T.
Other names: c.901C>A, p.Leu301Met (NM_001164617.2); c.853C>A, p.Leu285Met (NM_001164618.2); c.739C>A, p.Leu247Met (NM_001164619.2); short protein forms L285M, L301M, L247M.
Identifiers: ClinVar variation 2777823 (VCV002777823.3), dbSNP rs2521353846, ClinGen allele CA414705330.